The following is an entry in ClinVar:

ClinVar aggregate classification (germline): Conflicting classifications of pathogenicity. Review status: criteria provided, conflicting classifications (1 of 4 stars). 10 submissions from 10 submitters: Uncertain significance (1); Benign (1); Likely benign (7). 1 of the submissions does not count toward it. Last evaluated 2026-01-25.

Conditions:
Hereditary nonpolyposis colorectal neoplasms. Identifiers: MedGen C0009405, MeSH D003123.
Hereditary cancer-predisposing syndrome. Also called: Hereditary neoplastic syndrome; Neoplastic Syndromes, Hereditary; Tumor predisposition; Hereditary Cancer Syndrome. Identifiers: Orphanet 140162, MedGen C0027672, MeSH D009386, MONDO:0015356.
Lynch syndrome. Identifiers: Orphanet 144, MedGen C4552100, MONDO:0005835. Disease mechanism: loss of function.
Lynch syndrome 5 (LYNCH5). Also called: Hereditary non-polyposis colorectal cancer, type 5; Colorectal cancer, hereditary nonpolyposis, type 5. Identifiers: Orphanet 144, MedGen C1833477, MONDO:0013710, OMIM 614350. Disease mechanism: loss of function.

Allele frequency attached by ClinVar (database versions not stated): gnomAD below 0.00001 and 0.00001.
gnomAD v4.1: 7 of 1,613,782 alleles (0.00043%); highest among the groups gnomAD compares: South Asian, 0.0044%; no homozygotes.

Submissions (10):

Labcorp Genetics (formerly Invitae), Labcorp
Classification: Likely benign for Hereditary nonpolyposis colorectal neoplasms. Last evaluated: 2026-01-25. Review status: criteria provided, single submitter. Criteria: Invitae Variant Classification Sherloc (09022015). Collection method: clinical testing. Allele origin: germline.

Quest Diagnostics Nichols Institute San Juan Capistrano
Classification: Likely benign. Last evaluated: 2025-05-12. Review status: criteria provided, single submitter. Criteria: Quest Diagnostics criteria. Collection method: clinical testing. Allele origin: unknown.

Department of Pathology and Laboratory Medicine, Sinai Health System
Classification: Uncertain significance for Lynch syndrome. Last evaluated: 2023-10-10. Review status: criteria provided, single submitter. Criteria: ACMG Guidelines, 2015. Collection method: clinical testing. Allele origin: germline. Affected: yes.

All of Us Research Program, National Institutes of Health
Classification: Likely benign for Lynch syndrome. Last evaluated: 2023-08-15. Review status: criteria provided, single submitter. Criteria: ACMG Guidelines, 2015. Collection method: clinical testing. Allele origin: germline. Inheritance: Autosomal dominant inheritance. Observed: 4 variant alleles, 4 heterozygotes.
Comment: This study involves interpretation of variants in research participants for the purpose of population health screening. Participant phenotype was not available at the time of variant classification. Additional details can be found in publication PMID: 35346344, PMCID: PMC8962531

Myriad Genetics, Inc.
Classification: Benign for Lynch syndrome 5. Last evaluated: 2023-03-28. Review status: criteria provided, single submitter. Criteria: Myriad Autosomal Dominant, Autosomal Recessive and X-Linked Classification Criteria (2023). Collection method: clinical testing. Allele origin: unknown.
Comment: This variant is considered benign. This variant is a silent/synonymous amino acid change and it is not expected to impact splicing.

Women's Health and Genetics/Laboratory Corporation of America, LabCorp
Classification: Likely benign. Last evaluated: 2021-06-05. Review status: criteria provided, single submitter. Criteria: LabCorp Variant Classification Summary - May 2015. Collection method: clinical testing. Allele origin: germline.

GeneDx
Classification: Likely benign. Last evaluated: 2019-07-30. Review status: criteria provided, single submitter. Criteria: GeneDx Variant Classification Process June 2021. Collection method: clinical testing. Allele origin: germline. Affected: yes.

Color Diagnostics, LLC DBA Color Health
Classification: Likely benign for Hereditary cancer-predisposing syndrome. Last evaluated: 2017-02-14. Review status: criteria provided, single submitter. Criteria: ACMG Guidelines, 2015. Collection method: clinical testing. Allele origin: germline.

Ambry Genetics
Classification: Likely benign for Hereditary cancer-predisposing syndrome. Last evaluated: 2015-09-30. Review status: criteria provided, single submitter. Criteria: Ambry Variant Classification Scheme 2023. Collection method: clinical testing. Allele origin: germline.

Counsyl
Classification: Likely benign for Lynch syndrome 5. Last evaluated: 2015-11-17. Review status: no assertion criteria provided. Collection method: clinical testing. Allele origin: unknown. Not counted in ClinVar's aggregate classification.

NM_000179.3(MSH6):c.1347G>A (p.Leu449=)

Gene: MSH6 (mutS homolog 6; plus strand). Cytogenetic location: 2p16.3.
Variant type: single nucleotide variant.
Coding change: c.1347G>A on transcript NM_000179.3 (MANE Select); coding-DNA position 1347, G replaced by A.
Protein change: p.Leu449=; no amino-acid change (leucine 449 retained).
Molecular consequence: synonymous variant.
Genome position (GRCh38, 1-based): chr2:47,799,330, G>A. VCF-style: chr2-47799330-G-A. GRCh37 (hg19) VCF-style: chr2-48026469-G-A.
Other names: c.957G>A, p.Leu319= (NM_001281492.2); c.441G>A, p.Leu147= (NM_001281493.2, NM_001281494.2).
Identifiers: ClinVar variation 184880 (VCV000184880.26), dbSNP rs786201760, ClinGen allele CA008523.